The following is an entry in ClinVar:

NM_001160148.2(DDHD1):c.448G>T (p.Gly150Cys)

Gene: DDHD1 (DDHD domain containing 1; minus strand). Cytogenetic location: 14q22.1.
Variant type: single nucleotide variant.
Coding change: c.448G>T on transcript NM_001160148.2 (MANE Select); coding-DNA position 448, G replaced by T.
Protein change: p.Gly150Cys; replaces glycine 150 with cysteine.
Molecular consequence: missense variant.
Genome position (GRCh38, 1-based): chr14:53,152,651, C>A on the plus strand (G>T on the coding strand, the complement: DDHD1 is on the minus strand). VCF-style: chr14-53152651-C-A. GRCh37 (hg19) VCF-style: chr14-53619369-C-A.
Other names: p.Gly150Cys; c.448G>T, p.Gly150Cys (NM_001160147.2, NM_030637.3); short protein forms G150C.
Identifiers: ClinVar variation 381452 (VCV000381452.17), dbSNP rs73296180, ClinGen allele CA7191493.
Genomic context (GRCh38, chr14:53,152,651, plus strand): 5'-AGCGTACCTCCTCCGGGCCCAGCTCCGTCACTACCTCATAGCGGTGCCGGGCCGCCGGGC[C>A]GCCAAGCCGGGTACGTTTCCTTTCCCCGGGGGACCCTCCTGTCGCGCCGCCGCCCCCCGA-3'
Protein context (NP_001153620.1, residues 140-160): PGERKRTRLG[Gly150Cys]PAARHRYEVV

ClinVar aggregate classification (germline): Benign. Review status: criteria provided, multiple submitters, no conflicts (2 of 4 stars). 5 submissions from 5 submitters: Benign (5). Last evaluated 2026-01-27.

Conditions:
Hereditary spastic paraplegia. Also called: Familial spastic paraparesis. Identifiers: Orphanet 685, MedGen C0037773, MONDO:0019064. Disease mechanism: loss of function.
Hereditary spastic paraplegia 28. Also called: Spastic paraplegia 28, autosomal recessive. Identifiers: Orphanet 101008, MedGen C1836295, MONDO:0012256, OMIM 609340.

Allele frequency attached by ClinVar (database versions not stated): gnomAD exomes 0.00164 and 0.00459; ExAC 0.00557; gnomAD 0.01752 and 0.01877; ESP Exome Variant Server 0.01897; TOPMed 0.01949; 1000 Genomes Project 0.02017; 1000 Genomes Project 30x 0.02124.
gnomAD v4.1: 5,183 of 1,613,028 alleles (0.32%); highest among the groups gnomAD compares: African/African-American, 5.9%; 140 homozygotes.

Submissions (5):

Labcorp Genetics (formerly Invitae), Labcorp
Classification: Benign for Hereditary spastic paraplegia 28. Last evaluated: 2026-01-27. Review status: criteria provided, single submitter. Criteria: Invitae Variant Classification Sherloc (09022015). Collection method: clinical testing. Allele origin: germline.

Genome Diagnostics Laboratory, The Hospital for Sick Children
Classification: Benign for Hereditary spastic paraplegia. Last evaluated: 2020-08-24. Review status: criteria provided, single submitter. Criteria: ACMG Guidelines, 2015. Collection method: clinical testing. Allele origin: germline. Affected: yes.

Mayo Clinic Laboratories, Mayo Clinic
Classification: Benign. Last evaluated: 2020-04-03. Review status: criteria provided, single submitter. Criteria: ACMG Guidelines, 2015. Collection method: clinical testing. Allele origin: germline. Observed: 13 variant alleles.

GeneDx
Classification: Benign. Last evaluated: 2016-02-17. Review status: criteria provided, single submitter. Criteria: GeneDx Variant Classification (06012015). Collection method: clinical testing. Allele origin: germline. Affected: yes.
Comment: This variant is considered likely benign or benign based on one or more of the following criteria: it is a conservative change, it occurs at a poorly conserved position in the protein, it is predicted to be benign by multiple in silico algorithms, and/or has population frequency not consistent with disease.

Breakthrough Genomics
Classification: Benign. Review status: criteria provided, single submitter. Criteria: ACMG Guidelines, 2015. Collection method: not provided. Allele origin: germline. Inheritance: Autosomal recessive inheritance. Affected: yes.